The following is an entry in ClinVar:

Conditions:
Breast-ovarian cancer, familial, susceptibility to, 1 (BROVCA1). Also called: BRCA1 Hereditary Breast and Ovarian Cancer; OVARIAN CANCER, SUSCEPTIBILITY TO. Identifiers: Orphanet 145, MedGen C2676676, MONDO:0011450, OMIM 604370. Disease mechanism: loss of function.

Submission:

Brotman Baty Institute, University of Washington
No classification provided (evidence only). Condition: Breast-ovarian cancer, familial 1. Review status: no classification provided. Collection method: in vitro. Allele origin: not applicable. Functional consequence: functionally_normal.
ClinVar note: "not provided" was previously submitted as the classification for the variant. However, the classification appeared to be based only on an observation of functional data so it was converted to no classification on 2025-07-30.

NM_007294.4(BRCA1):c.5364T>G (p.Gly1788=)

Gene: BRCA1 (BRCA1 DNA repair associated; minus strand). Cytogenetic location: 17q21.31.
Variant type: single nucleotide variant.
Coding change: c.5364T>G on transcript NM_007294.4 (MANE Select); coding-DNA position 5364, T replaced by G.
Protein change: p.Gly1788=; no amino-acid change (glycine 1788 retained).
Molecular consequence: synonymous variant. On other transcripts: intron variant (19).
Genome position (GRCh38, 1-based): chr17:43,049,163, A>C on the plus strand (T>G on the coding strand, the complement: BRCA1 is on the minus strand). VCF-style: chr17-43049163-A-C. GRCh37 (hg19) VCF-style: chr17-41201180-A-C.
Other names: c.5220T>G, p.Gly1740= (NM_001407742.1, NM_001407743.1, NM_001407744.1 and 18 more transcripts); c.5217T>G, p.Gly1739= (NM_001407838.1, NM_001407839.1, NM_001407841.1 and 12 more transcripts); c.5163T>G, p.Gly1721= (NM_001407862.1); c.5160T>G, p.Gly1720= (NM_001407863.1); c.5157T>G, p.Gly1719= (NM_001407874.1, NM_001407875.1); c.5154T>G, p.Gly1718= (NM_001407879.1, NM_001407881.1, NM_001407882.1 and 5 more transcripts); c.5151T>G, p.Gly1717= (NM_001407894.1, NM_001407895.1, NM_001407896.1 and 12 more transcripts); c.5148T>G, p.Gly1716= (NM_001407915.1, NM_001407916.1, NM_001407917.1 and 1 more transcripts); and 84 more.
Identifiers: ClinVar variation 868379 (VCV000868379.3), dbSNP rs2051086346, ClinGen allele CA500143305.
Genomic context (GRCh38, chr17:43,049,163, plus strand): 5'-AGGGCACCCAATACTTACTGTGCCAAGGGTGAATGATGAAAGCTCCTTCACCACAGAAGC[A>C]CCACACAGCTGTACCATCCATTCCAGTTGATCTAAAATGGACATTTAGATGTAAAATCAC-3'
Protein context (NP_009225.1, residues 1778-1798): DQLEWMVQLC[Gly1788=]ASVVKELSSF